The following is an entry in ClinVar:

NM_001244008.2(KIF1A):c.3639A>T (p.Pro1213=)

Gene: KIF1A (kinesin family member 1A; minus strand). Cytogenetic location: 2q37.3.
Variant type: single nucleotide variant.
Coding change: c.3639A>T on transcript NM_001244008.2 (MANE Select); coding-DNA position 3639, A replaced by T.
Protein change: p.Pro1213=; no amino-acid change (proline 1213 retained).
Molecular consequence: synonymous variant.
Genome position (GRCh38, 1-based): chr2:240,742,930, T>A on the plus strand (A>T on the coding strand, the complement: KIF1A is on the minus strand). VCF-style: chr2-240742930-T-A. GRCh37 (hg19) VCF-style: chr2-241682347-T-A.
Other names: c.3363A>T, p.Pro1121= (NM_001320705.2, NM_001330289.2, NM_001379638.1); c.3438A>T, p.Pro1146= (NM_001330290.2, NM_001379634.1, NM_001379635.1 and 1 more transcripts); c.3714A>T, p.Pro1238= (NM_001379631.1); c.3588A>T, p.Pro1196= (NM_001379632.1); c.3612A>T, p.Pro1204= (NM_001379633.1, NM_001379642.1, NM_001379645.1); c.3336A>T, p.Pro1112= (NM_001379636.1, NM_001379639.1, NM_001379641.1 and 6 more transcripts); c.3411A>T, p.Pro1137= (NM_001379637.1, NM_001379648.1); c.3333A>T, p.Pro1111= (NM_001379640.1).
Identifiers: ClinVar variation 2948946 (VCV002948946.3), dbSNP rs2537210269, ClinGen allele CA432027254.
Genomic context (GRCh38, chr2:240,742,930, plus strand): 5'-ACAGCACCCACAGTGAGGGGAGCTCACTGCCCTGAGACGGCTCCAGAGACCCTTCCTACC[T>A]GGCTTGGACAGTGGCATGACCCGAGGGAAGTGGCGGCGCGAGGGCCTCAGGGGGCTGTGG-3'
Protein context (NP_001230937.1, residues 1203-1223): HFPRVMPLSK[Pro1213=]VPATKLSTLT

ClinVar aggregate classification (germline): Uncertain significance (1 of 4 stars; one submission).

Conditions:
Neuropathy, hereditary sensory, type 2C. Also called: KIF1A-Related HSAN2 (HSAN2C); Hereditary sensory and autonomic neuropathy type IIC. Identifiers: Orphanet 970, MedGen C3280168, MONDO:0013634, OMIM 614213.
Hereditary spastic paraplegia 30. Identifiers: Orphanet 101010, MedGen C5235139, MONDO:0012476.
Intellectual disability, autosomal dominant 9 (NESCAVS). Also called: NESCAV SYNDROME; KIF1A-Related Neurodevelopmental Disorder. Identifiers: Orphanet 662367, MedGen C5393830, MONDO:0013656, OMIM 614255.

Submission:

Labcorp Genetics (formerly Invitae), Labcorp
Classification: Uncertain significance for Hereditary spastic paraplegia 30; Neuropathy, hereditary sensory, type 2C; Intellectual disability, autosomal dominant 9. Last evaluated: 2023-06-16. Review status: criteria provided, single submitter. Criteria: Invitae Variant Classification Sherloc (09022015). Collection method: clinical testing. Allele origin: germline.
Comment: In summary, the available evidence is currently insufficient to determine the role of this variant in disease. Therefore, it has been classified as a Variant of Uncertain Significance. Algorithms developed to predict the effect of sequence changes on RNA splicing suggest that this variant may disrupt the consensus splice site. This variant has not been reported in the literature in individuals affected with KIF1A-related conditions. This variant is not present in population databases (gnomAD no frequency). This sequence change affects codon 1112 of the KIF1A mRNA. It is a 'silent' change, meaning that it does not change the encoded amino acid sequence of the KIF1A protein. It affects a nucleotide within the consensus splice site.